The following is an entry in ClinVar:

NM_016151.4(TAOK2):c.3181G>A (p.Val1061Met)

Gene: TAOK2 (TAO kinase 2; plus strand). Cytogenetic location: 16p11.2.
Variant type: single nucleotide variant.
Coding change: c.3181G>A on transcript NM_016151.4 (MANE Select); coding-DNA position 3181, G replaced by A.
Protein change: p.Val1061Met; replaces valine 1061 with methionine.
Molecular consequence: missense variant. On other transcripts: intron variant (1).
Genome position (GRCh38, 1-based): chr16:29,987,453, G>A. VCF-style: chr16-29987453-G-A. GRCh37 (hg19) VCF-style: chr16-29998774-G-A.
Other names: c.2842G>A, p.Val948Met (NM_001252043.2); c.2232+949G>A (NM_004783.4); short protein forms V1061M, V948M.
Identifiers: ClinVar variation 3624512 (VCV003624512.2).
Genomic context (GRCh38, chr16:29,987,453, plus strand): 5'-GTTCCCCTGGGCCTTGGAGCTGCCTGGCTCTTAGCTTGGCCAGGCCTAGCTCTACCTCTG[G>A]TGGCTATGGCAGCGGGGGGCAGATGGGTGCGGCAGCAGGGCCCCCGGGTGCGCCGGGGCA-3'
Protein context (NP_057235.2, residues 1051-1071): LAWPGLALPL[Val1061Met]AMAAGGRWVR

ClinVar aggregate classification (germline): Uncertain significance (1 of 4 stars; one submission).

gnomAD v4.1: 4 of 1,597,860 alleles (0.00025%); highest among the groups gnomAD compares: Non-Finnish European, 0.00026%; no homozygotes.

Submission:

Labcorp Genetics (formerly Invitae), Labcorp
Classification: Uncertain significance. Last evaluated: 2024-08-05. Review status: criteria provided, single submitter. Criteria: Invitae Variant Classification Sherloc (09022015). Collection method: clinical testing. Allele origin: germline.
Comment: This sequence change replaces valine, which is neutral and non-polar, with methionine, which is neutral and non-polar, at codon 1061 of the TAOK2 protein (p.Val1061Met). This variant is present in population databases (rs777989484, gnomAD 0.003%). This variant has not been reported in the literature in individuals affected with TAOK2-related conditions. An algorithm developed to predict the effect of missense changes on protein structure and function (PolyPhen-2) suggests that this variant is likely to be tolerated. In summary, the available evidence is currently insufficient to determine the role of this variant in disease. Therefore, it has been classified as a Variant of Uncertain Significance.